The following is an entry in ClinVar:

NM_000890.5(KCNJ5):c.1096G>C (p.Glu366Gln)

Gene: KCNJ5 (potassium inwardly rectifying channel subfamily J member 5; plus strand). Cytogenetic location: 11q24.3.
Variant type: single nucleotide variant.
Coding change: c.1096G>C on transcript NM_000890.5 (MANE Select); coding-DNA position 1096, G replaced by C.
Protein change: p.Glu366Gln; replaces glutamic acid 366 with glutamine.
Molecular consequence: missense variant.
Genome position (GRCh38, 1-based): chr11:128,916,567, G>C. VCF-style: chr11-128916567-G-C. GRCh37 (hg19) VCF-style: chr11-128786462-G-C.
Other names: c.1096G>C, p.Glu366Gln (NM_001354169.2); short protein forms E366Q.
Identifiers: ClinVar variation 2449080 (VCV002449080.2), dbSNP rs2497733602, ClinGen allele CA383235913.

ClinVar aggregate classification (germline): Uncertain significance (1 of 4 stars; one submission).

Conditions:
Cardiovascular phenotype. Identifiers: MedGen CN230736.

Submission:

Ambry Genetics
Classification: Uncertain significance for Cardiovascular phenotype. Last evaluated: 2023-02-07. Review status: criteria provided, single submitter. Criteria: Ambry Variant Classification Scheme 2023. Collection method: clinical testing. Allele origin: germline.
Comment: The p.E366Q variant (also known as c.1096G>C), located in coding exon 2 of the KCNJ5 gene, results from a G to C substitution at nucleotide position 1096. The glutamic acid at codon 366 is replaced by glutamine, an amino acid with highly similar properties. This amino acid position is well conserved in available vertebrate species. In addition, the in silico prediction for this alteration is inconclusive. Since supporting evidence is limited at this time, the clinical significance of this alteration remains unclear.